The following is an entry in ClinVar:

ClinVar aggregate classification (germline): Uncertain significance (1 of 4 stars; one submission).

Conditions:
Familial thoracic aortic aneurysm and aortic dissection (TAAD). Also called: Thoracic aortic aneurysms and dissections. Identifiers: Orphanet 91387, MedGen C4707243, MONDO:0019625.

Submission:

Ambry Genetics
Classification: Uncertain significance for Familial thoracic aortic aneurysm and aortic dissection. Last evaluated: 2024-07-04. Review status: criteria provided, single submitter. Criteria: Ambry Variant Classification Scheme 2023. Collection method: clinical testing. Allele origin: germline.
Comment: The p.P2271S variant (also known as c.6811C>T), located in coding exon 34 of the NOTCH1 gene, results from a C to T substitution at nucleotide position 6811. The proline at codon 2271 is replaced by serine, an amino acid with similar properties. This amino acid position is conserved. In addition, the in silico prediction for this alteration is inconclusive. Based on the available evidence, the clinical significance of this variant remains unclear.

NM_017617.5(NOTCH1):c.6811C>T (p.Pro2271Ser)

Gene: NOTCH1 (notch receptor 1; minus strand). Cytogenetic location: 9q34.3.
Variant type: single nucleotide variant.
Coding change: c.6811C>T on transcript NM_017617.5 (MANE Select); coding-DNA position 6811, C replaced by T.
Protein change: p.Pro2271Ser; replaces proline 2271 with serine.
Molecular consequence: missense variant.
Genome position (GRCh38, 1-based): chr9:136,496,928, G>A on the plus strand (C>T on the coding strand, the complement: NOTCH1 is on the minus strand). VCF-style: chr9-136496928-G-A. GRCh37 (hg19) VCF-style: chr9-139391380-G-A.
Other names: short protein forms P2271S.
Identifiers: ClinVar variation 3406824 (VCV003406824.1).
Genomic context (GRCh38, chr9:136,496,928, plus strand): 5'-CGCTGCTGGAGCCCAGGACGGTGCTGGTGCCAGAGGCCACAGGCAGGTGGGAGAGACGAG[G>A]TGGGCCAGTCTCAAAGGCCAGCCGGCCGCCCCCACCCAGCGCCGCCATCTCGGGCTTGGC-3'
Protein context (NP_060087.3, residues 2261-2281): GGRLAFETGP[Pro2271Ser]RLSHLPVASG